The following is an entry in ClinVar:

NM_144596.4(TTC8):c.1337A>G (p.His446Arg)

Gene: TTC8 (tetratricopeptide repeat domain 8; plus strand). Cytogenetic location: 14q31.3.
Variant type: single nucleotide variant.
Coding change: c.1337A>G on transcript NM_144596.4 (MANE Select); coding-DNA position 1337, A replaced by G.
Protein change: p.His446Arg; replaces histidine 446 with arginine.
Molecular consequence: missense variant. On other transcripts: non-coding transcript variant (1).
Genome position (GRCh38, 1-based): chr14:88,872,442, A>G. VCF-style: chr14-88872442-A-G. GRCh37 (hg19) VCF-style: chr14-89338786-A-G.
Other names: c.1385A>G, p.His462Arg (NM_001288781.1); c.743A>G, p.His248Arg (NM_001288782.1); c.620A>G, p.His207Arg (NM_001288783.1); c.1307A>G, p.His436Arg (NM_001366535.2, NM_198309.3); c.1217A>G, p.His406Arg (NM_001366536.2, NM_198310.3); c.1307A>G (NM_198309.2); short protein forms H207R, H248R, H406R, H436R, H446R, H462R.
Identifiers: ClinVar variation 3356089 (VCV003356089.2).

ClinVar aggregate classification (germline): Uncertain significance. Review status: criteria provided, single submitter (1 of 4 stars). 2 submissions from 2 submitters: Uncertain significance (1). 1 of the submissions does not count toward it. Last evaluated 2025-06-10.

Conditions:
Inborn genetic diseases. Identifiers: MedGen C0950123, MeSH D030342.
TTC8-related disorder. Also called: TTC8-related condition.

Submissions (2):

Ambry Genetics
Classification: Uncertain significance for Inborn genetic diseases. Last evaluated: 2025-06-10. Review status: criteria provided, single submitter. Criteria: Ambry Variant Classification Scheme 2023. Collection method: clinical testing. Allele origin: germline.

PreventionGenetics, part of Exact Sciences
Classification: Uncertain significance for TTC8-related condition. Last evaluated: 2023-12-01. Review status: no assertion criteria provided. Collection method: clinical testing. Allele origin: germline. Not counted in ClinVar's aggregate classification.
Comment: The TTC8 c.1337A>G variant is predicted to result in the amino acid substitution p.His446Arg. To our knowledge, this variant has not been reported in the literature. This variant is reported in 0.023% of alleles in individuals of African descent in gnomAD. At this time, the clinical significance of this variant is uncertain due to the absence of conclusive functional and genetic evidence.